The following is an entry in ClinVar:

NM_001363711.2(DUOX2):c.76C>G (p.Gln26Glu)

Gene: DUOX2 (dual oxidase 2; minus strand). Cytogenetic location: 15q21.1.
Variant type: single nucleotide variant.
Coding change: c.76C>G on transcript NM_001363711.2 (MANE Select); coding-DNA position 76, C replaced by G.
Protein change: p.Gln26Glu; replaces glutamine 26 with glutamic acid.
Molecular consequence: missense variant.
Genome position (GRCh38, 1-based): chr15:45,113,071, G>C on the plus strand (C>G on the coding strand, the complement: DUOX2 is on the minus strand). VCF-style: chr15-45113071-G-C. GRCh37 (hg19) VCF-style: chr15-45405269-G-C.
Other names: c.76C>G, p.Gln26Glu (NM_014080.5); short protein forms Q26E.
Identifiers: ClinVar variation 1386152 (VCV001386152.8), dbSNP rs1894493213, ClinGen allele CA392280354.

ClinVar aggregate classification (germline): Uncertain significance (1 of 4 stars; one submission).

Allele frequency attached by ClinVar (database versions not stated): gnomAD exomes below 0.00001; gnomAD 0.00001.
gnomAD v4.1: 2 of 1,613,646 alleles (0.00012%); highest among the groups gnomAD compares: Non-Finnish European, 0.00017%; no homozygotes.

Submission:

Labcorp Genetics (formerly Invitae), Labcorp
Classification: Uncertain significance. Last evaluated: 2022-12-06. Review status: criteria provided, single submitter. Criteria: Invitae Variant Classification Sherloc (09022015). Collection method: clinical testing. Allele origin: germline.
Comment: In summary, the available evidence is currently insufficient to determine the role of this variant in disease. Therefore, it has been classified as a Variant of Uncertain Significance. Algorithms developed to predict the effect of missense changes on protein structure and function output the following: SIFT: "Deleterious"; PolyPhen-2: "Benign"; Align-GVGD: "Class C0". The glutamic acid amino acid residue is found in multiple mammalian species, which suggests that this missense change does not adversely affect protein function. ClinVar contains an entry for this variant (Variation ID: 1386152). This variant has not been reported in the literature in individuals affected with DUOX2-related conditions. This variant is not present in population databases (gnomAD no frequency). This sequence change replaces glutamine, which is neutral and polar, with glutamic acid, which is acidic and polar, at codon 26 of the DUOX2 protein (p.Gln26Glu).